The following is an entry in ClinVar:

ClinVar aggregate classification (germline): Likely benign (1 of 4 stars; one submission).

Conditions:
Malignant hyperthermia, susceptibility to, 1 (MHS1). Also called: RYR1-Related Malignant Hyperthermia Susceptibility; Anesthesia related hyperthermia; Malignant hyperpyrexia; Fulminating hyperpyrexia; Pharmacogenic myopathy; Malignant hyperthermia suceptibility 1. Identifiers: Orphanet 423, MedGen C2930980, MONDO:0007783, OMIM 145600.

gnomAD v4.1: 1 of 1,591,912 alleles (0.000063%); highest among the groups gnomAD compares: Non-Finnish European, 0.000086%; no homozygotes.

Submission:

All of Us Research Program, National Institutes of Health
Classification: Likely benign for Malignant hyperthermia, susceptibility to, 1. Last evaluated: 2023-02-24. Review status: criteria provided, single submitter. Criteria: ACMG Guidelines, 2015. Collection method: clinical testing. Allele origin: germline. Inheritance: Autosomal dominant inheritance. Observed: 1 variant allele, 1 heterozygote.
Comment: This study involves interpretation of variants in research participants for the purpose of population health screening. Participant phenotype was not available at the time of variant classification. Additional details can be found in publication PMID: 35346344, PMCID: PMC8962531

NM_000540.3(RYR1):c.2841C>T (p.Asp947=)

Gene: RYR1 (ryanodine receptor 1; plus strand). Cytogenetic location: 19q13.2.
Variant type: single nucleotide variant.
Coding change: c.2841C>T on transcript NM_000540.3 (MANE Select); coding-DNA position 2841, C replaced by T.
Protein change: p.Asp947=; no amino-acid change (aspartic acid 947 retained).
Molecular consequence: synonymous variant.
Genome position (GRCh38, 1-based): chr19:38,464,693, C>T. VCF-style: chr19-38464693-C-T. GRCh37 (hg19) VCF-style: chr19-38955333-C-T.
Other names: c.2841C>T, p.Asp947= (NM_001042723.2).
Identifiers: ClinVar variation 3069533 (VCV003069533.1), dbSNP rs1318464375, ClinGen allele CA507234047.